The following is an entry in ClinVar:

ClinVar aggregate classification (germline): Uncertain significance (1 of 4 stars; one submission).

Conditions:
Malignant hyperthermia, susceptibility to, 5 (MHS5). Also called: CACNA1S-Related Malignant Hyperthermia Susceptibility. Identifiers: Orphanet 423, MedGen C1866077, MONDO:0011163, OMIM 601887.

Submission:

Color Diagnostics, LLC DBA Color Health
Classification: Uncertain significance for Malignant hyperthermia, susceptibility to, 5. Last evaluated: 2025-05-31. Review status: criteria provided, single submitter. Criteria: ACMG Guidelines, 2015. Collection method: clinical testing. Allele origin: germline.
Comment: This missense variant replaces phenylalanine with leucine at codon 1306 of the CACNA1S protein. Computational prediction suggests that this variant may have deleterious impact on protein structure and function. To our knowledge, functional studies have not been reported for this variant. This variant has not been reported in individuals affected with CACNA1S-related disorders in the literature. This variant has not been identified in the general population by the Genome Aggregation Database (gnomAD). The available evidence is insufficient to determine the role of this variant in disease conclusively. Therefore, this variant is classified as a Variant of Uncertain Significance.

NM_000069.3(CACNA1S):c.3916T>C (p.Phe1306Leu)

Gene: CACNA1S (calcium voltage-gated channel subunit alpha1 S; minus strand). Cytogenetic location: 1q32.1.
Variant type: single nucleotide variant.
Coding change: c.3916T>C on transcript NM_000069.3 (MANE Select); coding-DNA position 3916, T replaced by C.
Protein change: p.Phe1306Leu; replaces phenylalanine 1306 with leucine.
Molecular consequence: missense variant.
Genome position (GRCh38, 1-based): chr1:201,052,594, A>G on the plus strand (T>C on the coding strand, the complement: CACNA1S is on the minus strand). VCF-style: chr1-201052594-A-G. GRCh37 (hg19) VCF-style: chr1-201021722-A-G.
Other names: short protein forms F1306L.
Identifiers: ClinVar variation 4758392 (VCV004758392.1).